The following is an entry in ClinVar:

ClinVar aggregate classification (germline): Pathogenic (1 of 4 stars; one submission).

Submission:

Labcorp Genetics (formerly Invitae), Labcorp
Classification: Pathogenic. Last evaluated: 2024-11-11. Review status: criteria provided, single submitter. Criteria: Invitae Variant Classification Sherloc (09022015). Collection method: clinical testing. Allele origin: germline.
Comment: This sequence change creates a premature translational stop signal (p.Glu475Aspfs*21) in the ARFGEF2 gene. It is expected to result in an absent or disrupted protein product. Loss-of-function variants in ARFGEF2 are known to be pathogenic (PMID: 14647276, 25160555). This variant is not present in population databases (gnomAD no frequency). This variant has not been reported in the literature in individuals affected with ARFGEF2-related conditions. For these reasons, this variant has been classified as Pathogenic.

Literature cited by the submitters: PubMed 14647276; PubMed 25160555.

NM_006420.3(ARFGEF2):c.1421_1424dup (p.Glu475fs)

Gene: ARFGEF2 (ARF guanine nucleotide exchange factor 2; plus strand). Cytogenetic location: 20q13.13.
Variant type: Duplication.
Coding change: c.1421_1424dup on transcript NM_006420.3 (MANE Select); coding-DNA positions 1421 to 1424, 4 bases duplicated (TAGA; older notation c.1421_1424dupTAGA).
Protein change: p.Glu475fs; shifts the reading frame from glutamic acid 475.
Molecular consequence: frameshift variant.
Genome position (GRCh38, 1-based): chr20:48,971,350-48,971,353, TAGA duplicated; duplicating any 4 consecutive bases within chr20:48,971,347-48,971,353 gives the same sequence; the c. name uses the placement nearest the transcript's 3' end. VCF-style (leftmost placement, unchanged base first): chr20-48971346-C-CAGAT. GRCh37 (hg19) VCF-style: chr20-47587883-C-CAGAT.
Other names: c.1418_1421dup, p.Glu474fs (NM_001410846.1); short protein forms E474fs, E475fs.
Identifiers: ClinVar variation 3685437 (VCV003685437.2).